The following is an entry in ClinVar:

NM_000429.3(MAT1A):c.292G>A (p.Gly98Ser)

Gene: MAT1A (methionine adenosyltransferase 1A; minus strand). Cytogenetic location: 10q22.3.
Variant type: single nucleotide variant.
Coding change: c.292G>A on transcript NM_000429.3 (MANE Select); coding-DNA position 292, G replaced by A.
Protein change: p.Gly98Ser; replaces glycine 98 with serine.
Molecular consequence: missense variant.
Genome position (GRCh38, 1-based): chr10:80,283,916, C>T on the plus strand (G>A on the coding strand, the complement: MAT1A is on the minus strand). VCF-style: chr10-80283916-C-T. GRCh37 (hg19) VCF-style: chr10-82043672-C-T.
Other names: short protein forms G98S.
Identifiers: ClinVar variation 431998 (VCV000431998.2), dbSNP rs1554841212, ClinGen allele CA377363347.

ClinVar aggregate classification (germline): Likely pathogenic (1 of 4 stars; one submission).

Submission:

GeneDx
Classification: Likely pathogenic. Last evaluated: 2015-12-30. Review status: criteria provided, single submitter. Criteria: GeneDx Variant Classification (06012015). Collection method: clinical testing. Allele origin: germline. Affected: yes.
Comment: The c.292 G>A variant has been previously reported in association with methionine adenosyltransferase I/III (MAT I/III) deficiency in an affected patient homozygous for the variant (Chamberlin et al., 2000). Protein expression with the p.G98S missense change in COS cells showed no altered enzyme activity; however, splicing studies found that the c.292 G>A change caused abnormal splicing of the protein. The c.292 G>A variant is predicted to reduce the quality of the natural splice donor site in exon 3. Therefore, this variant is likely pathogenic; however, the possibility that it is benign cannot be excluded.